The following is an entry in ClinVar:

ClinVar aggregate classification (germline): Uncertain significance. Review status: criteria provided, multiple submitters, no conflicts (2 of 4 stars). 2 submissions from 2 submitters: Uncertain significance (2). Last evaluated 2020-01-14.

Conditions:
Hereditary cancer-predisposing syndrome. Also called: Neoplastic Syndromes, Hereditary; Tumor predisposition; Hereditary Cancer Syndrome; Hereditary neoplastic syndrome. Identifiers: Orphanet 140162, MedGen C0027672, MeSH D009386, MONDO:0015356.
Familial adenomatous polyposis 1 (FAP1). Also called: FAMILIAL ADENOMATOUS POLYPOSIS 1, ATTENUATED; POLYPOSIS, ADENOMATOUS INTESTINAL. Identifiers: MedGen C2713442, MONDO:0021056, OMIM 175100. Disease mechanism: loss of function.

Submissions (2):

Color Diagnostics, LLC DBA Color Health
Classification: Uncertain significance for Hereditary cancer-predisposing syndrome. Last evaluated: 2020-01-14. Review status: criteria provided, single submitter. Criteria: ACMG Guidelines, 2015. Collection method: clinical testing. Allele origin: germline.
Comment: This missense variant replaces serine with leucine at codon 837 of the APC protein. Computational prediction tool suggests that this variant may not impact protein structure and function (internally defined REVEL score threshold ≤0.5, PMID: 27666373). Splice site prediction tools suggest that this variant may not impact RNA splicing. To our knowledge, functional studies have not been performed for this variant. This variant has not been reported in individuals affected with hereditary cancer in the literature. This variant has not been identified in the general population by the Genome Aggregation Database (gnomAD). The available evidence is insufficient to determine the role of this variant in disease conclusively. Therefore, this variant is classified as a Variant of Uncertain Significance.

Labcorp Genetics (formerly Invitae), Labcorp
Classification: Uncertain significance for Familial adenomatous polyposis 1. Last evaluated: 2019-08-01. Review status: criteria provided, single submitter. Criteria: Invitae Variant Classification Sherloc (09022015). Collection method: clinical testing. Allele origin: germline.
Comment: This sequence change replaces serine with leucine at codon 837 of the APC protein (p.Ser837Leu). The serine residue is moderately conserved and there is a large physicochemical difference between serine and leucine. In summary, the available evidence is currently insufficient to determine the role of this variant in disease. Therefore, it has been classified as a Variant of Uncertain Significance. This variant is not present in population databases (ExAC no frequency). This variant has not been reported in the literature in individuals with APC-related conditions. Algorithms developed to predict the effect of missense changes on protein structure and function (SIFT, PolyPhen-2, Align-GVGD) all suggest that this variant is likely to be tolerated, but these predictions have not been confirmed by published functional studies and their clinical significance is uncertain.

NM_000038.6(APC):c.2510C>T (p.Ser837Leu)

Gene: APC (APC regulator of Wnt signaling pathway; plus strand). Cytogenetic location: 5q22.2.
Variant type: single nucleotide variant.
Coding change: c.2510C>T on transcript NM_000038.6 (MANE Select); coding-DNA position 2510, C replaced by T.
Protein change: p.Ser837Leu; replaces serine 837 with leucine.
Molecular consequence: missense variant.
Genome position (GRCh38, 1-based): chr5:112,838,104, C>T. VCF-style: chr5-112838104-C-T. GRCh37 (hg19) VCF-style: chr5-112173801-C-T.
Other names: c.2510C>T, p.Ser837Leu (NM_001127510.3, NM_001354895.2); c.2456C>T, p.Ser819Leu (NM_001127511.3); c.2564C>T, p.Ser855Leu (NM_001354896.2); c.2540C>T, p.Ser847Leu (NM_001354897.2); c.2435C>T, p.Ser812Leu (NM_001354898.2); c.2426C>T, p.Ser809Leu (NM_001354899.2); c.2387C>T, p.Ser796Leu (NM_001354900.2); c.2333C>T, p.Ser778Leu (NM_001354901.2); and 5 more; short protein forms S554L, S677L, S711L, S812L, S855L, S847L, S736L, S746L.
Identifiers: ClinVar variation 922728 (VCV000922728.14), dbSNP rs79512956, ClinGen allele CA16026831.
Genomic context (GRCh38, chr5:112,838,104, plus strand): 5'-GCAACATGACTGTCCTTTCACCATATTTGAATACTACAGTGTTACCCAGCTCCTCTTCAT[C>T]AAGAGGAAGCTTAGATAGTTCTCGTTCTGAAAAAGATAGAAGTTTGGAGAGAGAACGCGG-3'
Protein context (NP_000029.2, residues 827-847): NTTVLPSSSS[Ser837Leu]RGSLDSSRSE